The following is an entry in ClinVar:

ClinVar aggregate classification (germline): Conflicting classifications of pathogenicity. Review status: criteria provided, conflicting classifications (1 of 4 stars). 3 submissions from 3 submitters: Uncertain significance (2); Likely benign (1). Last evaluated 2025-06-06.

Conditions:
Autosomal dominant nonsyndromic hearing loss 4A. Also called: Deafness, autosomal dominant 4A. Identifiers: Orphanet 90635, MedGen C1833503, MONDO:0010915, OMIM 600652.
Peripheral neuropathy-myopathy-hoarseness-hearing loss syndrome. Identifiers: Orphanet 397744, MedGen C3280556, MONDO:0013711, OMIM 614369.

Allele frequency attached by ClinVar (database versions not stated): gnomAD 0.00002; gnomAD exomes 0.00010 and 0.00012; ExAC 0.00013.
gnomAD v4.1: 173 of 1,608,844 alleles (0.011%); highest among the groups gnomAD compares: East Asian, 0.27%; no homozygotes.

Submissions (3):

Labcorp Genetics (formerly Invitae), Labcorp
Classification: Likely benign. Last evaluated: 2025-06-06. Review status: criteria provided, single submitter. Criteria: Invitae Variant Classification Sherloc (09022015). Collection method: clinical testing. Allele origin: germline.

Fulgent Genetics
Classification: Uncertain significance for Autosomal dominant nonsyndromic hearing loss 4A; Peripheral neuropathy-myopathy-hoarseness-hearing loss syndrome. Last evaluated: 2021-07-19. Review status: criteria provided, single submitter. Criteria: ACMG Guidelines, 2015. Collection method: clinical testing. Allele origin: unknown.

GeneDx
Classification: Uncertain significance. Last evaluated: 2019-12-06. Review status: criteria provided, single submitter. Criteria: GeneDx Variant Classification Process June 2021. Collection method: clinical testing. Allele origin: germline. Affected: yes.
Comment: In silico analysis, which includes protein predictors and evolutionary conservation, supports that this variant does not alter protein structure/function; Has not been previously published as pathogenic or benign to our knowledge

NM_001145809.2(MYH14):c.3821G>A (p.Arg1274Gln)

Gene: MYH14 (myosin heavy chain 14; plus strand). Cytogenetic location: 19q13.33.
Variant type: single nucleotide variant.
Coding change: c.3821G>A on transcript NM_001145809.2 (MANE Select); coding-DNA position 3821, G replaced by A.
Protein change: p.Arg1274Gln; replaces arginine 1274 with glutamine.
Molecular consequence: missense variant.
Genome position (GRCh38, 1-based): chr19:50,276,897, G>A. VCF-style: chr19-50276897-G-A. GRCh37 (hg19) VCF-style: chr19-50780154-G-A.
Other names: c.3722G>A, p.Arg1241Gln (NM_001077186.2); c.3698G>A, p.Arg1233Gln (NM_024729.4); short protein forms R1233Q, R1241Q, R1274Q.
Identifiers: ClinVar variation 1310805 (VCV001310805.4), dbSNP rs763472009, ClinGen allele CA9593323.